The following is an entry in ClinVar:

NM_001354483.2(CSGALNACT1):c.700C>A (p.His234Asn)

Gene: CSGALNACT1 (chondroitin sulfate N-acetylgalactosaminyltransferase 1; minus strand). Cytogenetic location: 8p21.3.
Variant type: single nucleotide variant.
Coding change: c.700C>A on transcript NM_001354483.2 (MANE Select); coding-DNA position 700, C replaced by A.
Protein change: p.His234Asn; replaces histidine 234 with asparagine.
Molecular consequence: missense variant. On other transcripts: non-coding transcript variant (7).
Genome position (GRCh38, 1-based): chr8:19,458,577, G>T on the plus strand (C>A on the coding strand, the complement: CSGALNACT1 is on the minus strand). VCF-style: chr8-19458577-G-T. GRCh37 (hg19) VCF-style: chr8-19316088-G-T.
Other names: c.700C>A, p.His234Asn (NM_001130518.2, NM_001354475.2, NM_001354476.2 and 18 more transcripts); short protein forms H234N.
Identifiers: ClinVar variation 1479968 (VCV001479968.6), dbSNP rs2064651668, ClinGen allele CA370457255.

ClinVar aggregate classification (germline): Uncertain significance (1 of 4 stars; one submission).

Allele frequency attached by ClinVar (database versions not stated): TOPMed below 0.00001; gnomAD exomes 0.00001.
gnomAD v4.1: 3 of 1,614,160 alleles (0.00019%); highest among the groups gnomAD compares: Non-Finnish European, 0.00025%; no homozygotes.

Submission:

Labcorp Genetics (formerly Invitae), Labcorp
Classification: Uncertain significance. Last evaluated: 2022-07-06. Review status: criteria provided, single submitter. Criteria: Invitae Variant Classification Sherloc (09022015). Collection method: clinical testing. Allele origin: germline.
Comment: ClinVar contains an entry for this variant (Variation ID: 1479968). In summary, the available evidence is currently insufficient to determine the role of this variant in disease. Therefore, it has been classified as a Variant of Uncertain Significance. Algorithms developed to predict the effect of missense changes on protein structure and function (SIFT, PolyPhen-2, Align-GVGD) all suggest that this variant is likely to be tolerated. This variant has not been reported in the literature in individuals affected with CSGALNACT1-related conditions. This variant is not present in population databases (gnomAD no frequency). This sequence change replaces histidine, which is basic and polar, with asparagine, which is neutral and polar, at codon 234 of the CSGALNACT1 protein (p.His234Asn).